The following is an entry in ClinVar:

ClinVar aggregate classification (germline): Likely pathogenic (1 of 4 stars; one submission).

Conditions:
Alstrom syndrome (ALMS). Identifiers: Orphanet 64, MedGen C0268425, MONDO:0008763, OMIM 203800.

Submission:

Women's Health and Genetics/Laboratory Corporation of America, LabCorp
Classification: Likely pathogenic for Alstrom syndrome. Last evaluated: 2022-01-07. Review status: criteria provided, single submitter. Criteria: LabCorp Variant Classification Summary - May 2015. Collection method: clinical testing. Allele origin: germline.
Comment: Variant summary: ALMS1 c.9779-1271_9842del1335 (also known as c.9785-1271_9848del1335 in RefSeq). is a large deletion involving a canonical splice-site and is predicted to affect mRNA splicing resulting in a significantly altered protein due to either exon skipping, shortening, or inclusion of intronic material. The variant was absent in 21694 control chromosomes. To our knowledge, no occurrence of c.9779-1271_9842del1335 in individuals affected with Alstrom Syndrome and no experimental evidence demonstrating its impact on protein function have been reported. No clinical diagnostic laboratories have submitted clinical-significance assessments for this variant to ClinVar after 2014. However, a similar deletion (c.9785-1270_9861del) has been reported as likely pathogenic (ClinVar ID 855396). Based on the evidence outlined above, the variant was classified as likely pathogenic.

NM_001378454.1(ALMS1):c.9782-1271_9845del

Gene: ALMS1 (ALMS1 centrosome and basal body associated protein; plus strand). Cytogenetic location: 2p13.1.
Variant type: Deletion.
Coding change: c.9782-1271_9845del on transcript NM_001378454.1 (MANE Select); 1271 bases into the intron before coding-DNA position 9782 through coding-DNA position 9845, 1,335 bases deleted.
Molecular consequence: splice acceptor variant.
Genome position (GRCh38, 1-based): chr2:73,533,553-73,534,887, 1,335 bases deleted. GRCh37 (hg19): chr2:73,760,680-73,762,014.
Other names: c.9782-1271_9845del (NM_015120.4); c.9785-1271_9848del1335 (NM_015120.4).
Identifiers: ClinVar variation 1339655 (VCV001339655.1), ClinGen allele CA2573052019.